The following is an entry in ClinVar:

ClinVar aggregate classification (germline): Conflicting classifications of pathogenicity. Review status: criteria provided, conflicting classifications (1 of 4 stars). 2 submissions from 2 submitters: Likely pathogenic (1); Uncertain significance (1). Last evaluated 2023-09-21.

gnomAD v4.1: 6 of 1,613,664 alleles (0.00037%); highest among the groups gnomAD compares: Non-Finnish European, 0.00051%; no homozygotes.

Submissions (2):

Labcorp Genetics (formerly Invitae), Labcorp
Classification: Likely pathogenic. Last evaluated: 2023-09-21. Review status: criteria provided, single submitter. Criteria: Invitae Variant Classification Sherloc (09022015). Collection method: clinical testing. Allele origin: germline.
Comment: In summary, the currently available evidence indicates that the variant is pathogenic, but additional data are needed to prove that conclusively. Therefore, this variant has been classified as Likely Pathogenic. This variant disrupts the p.Gly2313 amino acid residue in USH2A. Other variant(s) that disrupt this residue have been determined to be pathogenic (PMID: 26261414, 26306921, 27032803, 28981474; Invitae). This suggests that this residue is clinically significant, and that variants that disrupt this residue are likely to be disease-causing. Advanced modeling of protein sequence and biophysical properties (such as structural, functional, and spatial information, amino acid conservation, physicochemical variation, residue mobility, and thermodynamic stability) performed at Invitae indicates that this missense variant is expected to disrupt USH2A protein function. ClinVar contains an entry for this variant (Variation ID: 2428084). This variant has not been reported in the literature in individuals affected with USH2A-related conditions. This variant is present in population databases (no rsID available, gnomAD 0.0009%). This sequence change replaces glycine, which is neutral and non-polar, with arginine, which is basic and polar, at codon 2313 of the USH2A protein (p.Gly2313Arg).

Blueprint Genetics
Classification: Uncertain significance. Last evaluated: 2019-11-13. Review status: criteria provided, single submitter. Criteria: ACMG Guidelines, 2015. Collection method: clinical testing. Allele origin: germline.

Literature cited by the submitters: PubMed 26261414 (cited by Labcorp Genetics (formerly Invitae), Labcorp); PubMed 26306921 (cited by Labcorp Genetics (formerly Invitae), Labcorp); PubMed 27032803 (cited by Labcorp Genetics (formerly Invitae), Labcorp); PubMed 28981474 (cited by Labcorp Genetics (formerly Invitae), Labcorp).

NM_206933.4(USH2A):c.6937G>C (p.Gly2313Arg)

Gene: USH2A (usherin; minus strand). Cytogenetic location: 1q41.
Variant type: single nucleotide variant.
Coding change: c.6937G>C on transcript NM_206933.4 (MANE Select); coding-DNA position 6937, G replaced by C.
Protein change: p.Gly2313Arg; replaces glycine 2313 with arginine.
Molecular consequence: missense variant.
Genome position (GRCh38, 1-based): chr1:215,970,645, C>G on the plus strand (G>C on the coding strand, the complement: USH2A is on the minus strand). VCF-style: chr1-215970645-C-G. GRCh37 (hg19) VCF-style: chr1-216143987-C-G.
Other names: short protein forms G2313R.
Identifiers: ClinVar variation 2428084 (VCV002428084.7), dbSNP rs199840367, ClinGen allele CA344853921.